The following is an entry in ClinVar:

NM_000256.3(MYBPC3):c.1483del (p.Arg495fs)

Gene: MYBPC3 (myosin binding protein C3; minus strand). Cytogenetic location: 11p11.2.
Variant type: Deletion.
Coding change: c.1483del on transcript NM_000256.3 (MANE Select); coding-DNA position 1483, one base deleted (C; older notation c.1483delC).
Protein change: p.Arg495fs; shifts the reading frame from arginine 495.
Molecular consequence: frameshift variant.
Genome position (GRCh38, 1-based): chr11:47,342,719, G deleted on the plus strand (C on the coding strand, the reverse complement: MYBPC3 is on the minus strand); the first of 3 consecutive G bases (chr11:47,342,719-47,342,721); deleting any one gives the same sequence. VCF-style (leftmost placement, unchanged base first): chr11-47342718-CG-C. GRCh37 (hg19) VCF-style: chr11-47364269-CG-C.
Other names: c.1483del, p.Arg495fs (LRG_386t1); c.1483delC (NM_000256.3); short protein forms R495fs.
Identifiers: ClinVar variation 519005 (VCV000519005.6), dbSNP rs1555122196, ClinGen allele CA658797635.

ClinVar aggregate classification (germline): Pathogenic (1 of 4 stars; one submission).

Conditions:
Cardiovascular phenotype. Identifiers: MedGen CN230736.

Submission:

Ambry Genetics
Classification: Pathogenic for Cardiovascular phenotype. Last evaluated: 2023-08-09. Review status: criteria provided, single submitter. Criteria: Ambry Variant Classification Scheme 2023. Collection method: clinical testing. Allele origin: germline.
Comment: The c.1483delC pathogenic mutation, located in coding exon 17 of the MYBPC3 gene, results from a deletion of one nucleotide at nucleotide position 1483, causing a translational frameshift with a predicted alternate stop codon (p.R495Gfs*18). This variant is considered to be rare based on population cohorts in the Genome Aggregation Database (gnomAD). This alteration is expected to result in loss of function by premature protein truncation or nonsense-mediated mRNA decay. As such, this alteration is interpreted as a disease-causing mutation.